The following is an entry in ClinVar:

ClinVar aggregate classification (germline): Likely pathogenic (1 of 4 stars; one submission).

Conditions:
Osteogenesis imperfecta type I (OI1). Also called: OI, TYPE I; OSTEOGENESIS IMPERFECTA TARDA; OSTEOGENESIS IMPERFECTA WITH BLUE SCLERAE; Osteogenesis imperfecta type 1; Classic Non-deforming Osteogenesis Imperfecta with Blue Sclerae; Lobstein's Disease. Identifiers: Orphanet 216796, Orphanet 666, MedGen C0023931, MONDO:0008146, OMIM 166200. Disease mechanism: loss of function.

gnomAD v4.1: 1 of 1,612,228 alleles (0.000062%); highest among the groups gnomAD compares: Non-Finnish European, 0.000085%; no homozygotes.

Submission:

Women's Health and Genetics/Laboratory Corporation of America, LabCorp
Classification: Likely pathogenic for Osteogenesis imperfecta type I. Last evaluated: 2025-10-28. Review status: criteria provided, single submitter. Criteria: LabCorp Variant Classification Summary - May 2015. Collection method: clinical testing. Allele origin: germline.
Comment: Variant summary: COL1A1 c.931G>A (p.Gly311Ser) results in a non-conservative amino acid change in the encoded protein sequence. This variant disrupts the triple helix domain of COL1A1. Glycine residues within the Gly-Xaa-Yaa repeats of the triple helix domain are required for the structure and stability of fibrillar collagens (PMID: 7695699, 8218237, 19344236). Algorithms developed to predict the effect of missense changes on protein structure and function all suggest that this variant is likely to be disruptive. The frequency data for this variant in gnomAD is considered unreliable, as metrics indicate poor data quality at this position. To our knowledge, no occurrence of c.931G>A in individuals affected with COL1A1-related conditions and no experimental evidence demonstrating its impact on protein function have been reported. No submitters have cited clinical-significance assessments for this variant to ClinVar. Based on the evidence outlined above, the variant was classified as likely pathogenic.

NM_000088.4(COL1A1):c.931G>A (p.Gly311Ser)

Gene: COL1A1 (collagen type I alpha 1 chain; minus strand). Cytogenetic location: 17q21.33.
Variant type: single nucleotide variant.
Coding change: c.931G>A on transcript NM_000088.4 (MANE Select); coding-DNA position 931, G replaced by A.
Protein change: p.Gly311Ser; replaces glycine 311 with serine.
Molecular consequence: missense variant.
Genome position (GRCh38, 1-based): chr17:50,196,340, C>T on the plus strand (G>A on the coding strand, the complement: COL1A1 is on the minus strand). VCF-style: chr17-50196340-C-T. GRCh37 (hg19) VCF-style: chr17-48273701-C-T.
Other names: short protein forms G311S.
Identifiers: ClinVar variation 3902278 (VCV003902278.2).